The following is an entry in ClinVar:

NM_014140.4(SMARCAL1):c.2448C>A (p.Asp816Glu)

Gene: SMARCAL1 (SWI/SNF related, matrix associated, actin dependent regulator of chromatin, subfamily a like 1; plus strand). Cytogenetic location: 2q35.
Variant type: single nucleotide variant.
Coding change: c.2448C>A on transcript NM_014140.4 (MANE Select); coding-DNA position 2448, C replaced by A.
Protein change: p.Asp816Glu; replaces aspartic acid 816 with glutamic acid.
Molecular consequence: missense variant.
Genome position (GRCh38, 1-based): chr2:216,477,129, C>A. VCF-style: chr2-216477129-C-A. GRCh37 (hg19) VCF-style: chr2-217341852-C-A.
Other names: c.2448C>A, p.Asp816Glu (NM_001127207.2); short protein forms D816E.
Identifiers: ClinVar variation 392887 (VCV000392887.2), dbSNP rs1057524681, ClinGen allele CA16604060.

ClinVar aggregate classification (germline): Likely pathogenic (1 of 4 stars; one submission).

Allele frequency attached by ClinVar (database versions not stated): gnomAD exomes below 0.00001; TOPMed 0.00001.

Submission:

GeneDx
Classification: Likely pathogenic. Last evaluated: 2017-01-24. Review status: criteria provided, single submitter. Criteria: GeneDx Variant Classification (06012015). Collection method: clinical testing. Allele origin: germline. Affected: yes.
Comment: The D816E variant in the SMARCAL1 gene has not been reported previously as a pathogenic variant, nor as a benign variant, to our knowledge. The D816E variant was not observed in approximately 6500 individuals of European and African American ancestry in the NHLBI Exome Sequencing Project, indicating it is not a common benign variant in these populations. The D816E variant is a conservative amino acid substitution, which is not likely to impact secondary protein structure as these residues share similar properties. However, this substitution occurs at a position within the Helicase C-terminal domain that is conserved across species, and in silico analysis predicts this variant is probably damaging to the protein structure/function. In addition, missense variants in a nearby residue (R820H and R820L) have been reported in the Human Gene Mutation Database in association with SMARCAL1-related disorders (Stenson et al., 2014), supporting the functional importance of this region of the protein. The D816E variant is a strong candidate for a pathogenic variant, however the possibility it may be a rare benign variant cannot be excluded.